The following is an entry in ClinVar:

NM_024675.4(PALB2):c.1194G>A (p.Val398=)

Gene: PALB2 (partner and localizer of BRCA2; minus strand). Cytogenetic location: 16p12.2.
Variant type: single nucleotide variant.
Coding change: c.1194G>A on transcript NM_024675.4 (MANE Select); coding-DNA position 1194, G replaced by A.
Protein change: p.Val398=; no amino-acid change (valine 398 retained).
Molecular consequence: synonymous variant.
Genome position (GRCh38, 1-based): chr16:23,635,352, C>T on the plus strand (G>A on the coding strand, the complement: PALB2 is on the minus strand). VCF-style: chr16-23635352-C-T. GRCh37 (hg19) VCF-style: chr16-23646673-C-T.
Other names: p.V398V:GTG>GTA; p.Val398=.
Identifiers: ClinVar variation 126592 (VCV000126592.125), dbSNP rs61755173, ClinGen allele CA151219.

ClinVar aggregate classification (germline): Conflicting classifications of pathogenicity. Review status: criteria provided, conflicting classifications (1 of 4 stars). 31 submissions from 31 submitters: Uncertain significance (1); Benign (8); Likely benign (12). 10 of the submissions do not count toward it. Last evaluated 2026-08-01.

Conditions:
Breast-ovarian cancer, familial, susceptibility to, 5 (BROVCA5). Identifiers: MedGen C5830615, MONDO:0957530, OMIM 620442.
Breast and/or ovarian cancer. Identifiers: MedGen CN221562.
Hereditary cancer-predisposing syndrome. Also called: Neoplastic Syndromes, Hereditary; Hereditary Cancer Syndrome; Tumor predisposition; Hereditary neoplastic syndrome. Identifiers: Orphanet 140162, MedGen C0027672, MeSH D009386, MONDO:0015356.
Familial cancer of breast. Also called: hereditary breast carcinoma; BREAST CANCER, FAMILIAL; Hereditary breast cancer. Identifiers: Orphanet 227535, MedGen C0346153, MONDO:0016419, OMIM 114480. Disease mechanism: loss of function.
Fanconi anemia complementation group N. Also called: PALB2-Related Fanconi Anemia. Identifiers: Orphanet 84, MedGen C1835817, MONDO:0012565, OMIM 610832. Disease mechanism: loss of function.
Malignant tumor of breast. Also called: Malignant breast neoplasm; Cancer breast. Identifiers: MedGen C0006142, MONDO:0007254. Disease mechanism: loss of function.

Allele frequency attached by ClinVar (database versions not stated): ExAC 0.00073; gnomAD exomes 0.00074; 1000 Genomes Project 30x 0.00078; 1000 Genomes Project 0.00080; TOPMed 0.00094; gnomAD 0.00100 and 0.00103; ESP Exome Variant Server 0.00154.
gnomAD v4.1: 2,377 of 1,613,992 alleles (0.15%); highest among the groups gnomAD compares: Non-Finnish European, 0.19%; 2 homozygotes.

Submissions 1 to 24 of 31:

CeGaT Center for Human Genetics Tuebingen
Classification: Likely benign. Last evaluated: 2026-08-01. Review status: criteria provided, single submitter. Criteria: CeGaT Center For Human Genetics Tuebingen Variant Classification Criteria Version 2. Collection method: clinical testing. Allele origin: germline. Affected: yes. Observed: 18 variant alleles.
Comment: PALB2: BP4, BP7

Labcorp Genetics (formerly Invitae), Labcorp
Classification: Benign for Familial cancer of breast. Last evaluated: 2026-02-03. Review status: criteria provided, single submitter. Criteria: Invitae Variant Classification Sherloc (09022015). Collection method: clinical testing. Allele origin: germline.

Mayo Clinic Laboratories, Mayo Clinic
Classification: Benign. Last evaluated: 2025-08-27. Review status: criteria provided, single submitter. Criteria: ACMG Guidelines, 2015. Collection method: clinical testing. Allele origin: germline. Observed: 2 variant alleles.
Comment: BA1, BP4, BP7

Quest Diagnostics Nichols Institute San Juan Capistrano
Classification: Benign. Last evaluated: 2025-03-20. Review status: criteria provided, single submitter. Criteria: Quest Diagnostics criteria. Collection method: clinical testing. Allele origin: unknown.

Center for Genomic Medicine, Rigshospitalet, Copenhagen University Hospital
Classification: Likely benign. Last evaluated: 2025-03-04. Review status: criteria provided, single submitter. Criteria: ACMG Guidelines, 2015. Collection method: clinical testing. Allele origin: germline.

KCCC/NGS Laboratory, Kuwait Cancer Control Center
Classification: Benign for Breast-ovarian cancer, familial, susceptibility to, 5. Last evaluated: 2025-02-01. Review status: criteria provided, single submitter. Criteria: ACMG Guidelines, 2015. Collection method: clinical testing. Allele origin: germline. Affected: no.

Myriad Genetics, Inc.
Classification: Benign for Familial cancer of breast. Last evaluated: 2025-01-13. Review status: criteria provided, single submitter. Criteria: Myriad Autosomal Dominant, Autosomal Recessive and X-Linked Classification Criteria (2023). Collection method: clinical testing. Allele origin: unknown.
Comment: This variant is considered benign. This variant is a silent/synonymous amino acid change and it is not expected to impact splicing.

Blueprint Genetics
Classification: Likely benign. Last evaluated: 2024-11-20. Review status: criteria provided, single submitter. Criteria: ACMG Guidelines, 2015. Collection method: clinical testing. Allele origin: germline.

ARUP Laboratories, Molecular Genetics and Genomics, ARUP Laboratories
Classification: Likely benign. Last evaluated: 2023-08-25. Review status: criteria provided, single submitter. Criteria: ARUP Molecular Germline Variant Investigation Process 2024. Collection method: clinical testing. Allele origin: germline.

CHEO Genetics Diagnostic Laboratory, Children's Hospital of Eastern Ontario
Classification: Likely benign for Breast and/or ovarian cancer. Last evaluated: 2023-04-25. Review status: criteria provided, single submitter. Criteria: ACMG Guidelines, 2015. Collection method: clinical testing. Allele origin: germline.

Sema4
Classification: Likely benign for Hereditary cancer-predisposing syndrome. Last evaluated: 2021-03-08. Review status: criteria provided, single submitter. Criteria: Sema4 Curation Guidelines. Collection method: curation. Allele origin: germline.

Genetic Services Laboratory, University of Chicago
Classification: Likely benign. Last evaluated: 2020-10-26. Review status: criteria provided, single submitter. Criteria: ACMG Guidelines, 2015. Collection method: clinical testing. Allele origin: germline. Affected: no.

Mendelics
Classification: Likely benign for Familial cancer of breast. Last evaluated: 2019-05-28. Review status: criteria provided, single submitter. Criteria: Mendelics Assertion Criteria 2017. Collection method: clinical testing. Allele origin: unknown.

Institute of Human Genetics, University of Leipzig Medical Center
Classification: Uncertain significance for Familial cancer of breast. Last evaluated: 2018-03-06. Review status: criteria provided, single submitter. Criteria: ACMG Guidelines, 2015. Collection method: clinical testing. Allele origin: germline. Affected: yes. Observed: 1 variant allele.

Illumina Laboratory Services, Illumina
Classification: Likely benign for Fanconi anemia complementation group N. Last evaluated: 2017-04-27. Review status: criteria provided, single submitter. Criteria: ICSL Variant Classification Criteria 13 December 2019. Collection method: clinical testing. Allele origin: germline.
Comment: This variant was observed as part of a predisposition screen in an ostensibly healthy population. A literature search was performed for the gene, cDNA change, and amino acid change (where applicable). No publications were found based on this search. Allele frequency data from public databases allowed determination this variant is unlikely to cause disease. Therefore, this variant is classified as likely benign.

PreventionGenetics, part of Exact Sciences
Classification: Likely benign. Last evaluated: 2017-01-12. Review status: criteria provided, single submitter. Criteria: ACMG Guidelines, 2015. Collection method: clinical testing. Allele origin: germline.

Women's Health and Genetics/Laboratory Corporation of America, LabCorp
Classification: Benign. Last evaluated: 2016-04-11. Review status: criteria provided, single submitter. Criteria: LabCorp Variant Classification Summary - May 2015. Collection method: clinical testing. Allele origin: germline.
Comment: Variant summary: Variant Summary: The c.1194G>A (p.Val398=) in PALB2 gene is a synonymous change that involves a non-conserved nucleotide with a prediction of being a "disease-causing" by mutation taster. 5/5 programs in Alamut predict that this variant does not affect normal splicing, however no functional studies supporting this notion were published at the time of evaluation. The variant is present in the control population dataset of ExAC at an overall allele frequency of 0.073% (88/121172 chrs tested), mainly in individuals of European descent (0.1154%; 77/66698 chrs tested). The observed frequency exceeds the maximum expected allele frequency for a pathogenic PALB2 variant (0.015%), suggesting that it is a common polymorphism. Based on the published reports, the variant of interest was found in affected individuals as well as in unaffected controls without personal or family history of cancer. Lastly, the variant has been reported as Benign by multiple reputable database/clinical laboratories. Taken together, the variant was classified as Benign.

Cancer Genetics Laboratory, Peter MacCallum Cancer Centre
Classification: Likely benign for Familial cancer of breast. Last evaluated: 2015-06-01. Review status: criteria provided, single submitter. Criteria: Thompson et al. (Breast Cancer Res. 2015). Collection method: case-control. Allele origin: germline. Affected: yes. Observed: 5 variant alleles, 5 heterozygotes.

Color Diagnostics, LLC DBA Color Health
Classification: Benign for Hereditary cancer-predisposing syndrome. Last evaluated: 2015-04-13. Review status: criteria provided, single submitter. Criteria: ACMG Guidelines, 2015. Collection method: clinical testing. Allele origin: germline.

Ambry Genetics
Classification: Likely benign for Hereditary cancer-predisposing syndrome. Last evaluated: 2014-06-16. Review status: criteria provided, single submitter. Criteria: Ambry Variant Classification Scheme 2023. Collection method: clinical testing. Allele origin: germline.

GeneDx
Classification: Benign. Last evaluated: 2013-11-01. Review status: criteria provided, single submitter. Criteria: GeneDx Variant Classification (06012015). Collection method: clinical testing. Allele origin: germline. Affected: yes.
Comment: This variant is considered likely benign or benign based on one or more of the following criteria: it is a conservative change, it occurs at a poorly conserved position in the protein, it is predicted to be benign by multiple in silico algorithms, and/or has population frequency not consistent with disease.

Leiden Open Variation Database
Classification: Likely benign. Last evaluated: 2019-05-13. Review status: no assertion criteria provided. Collection method: curation. Allele origin: germline. Affected: yes. Not counted in ClinVar's aggregate classification.
Comment: Curators: Marc Tischkowitz, Arleen D. Auerbach. Submitter to LOVD: Marc Tischkowitz.

True Health Diagnostics
Classification: Likely benign for Hereditary cancer-predisposing syndrome. Last evaluated: 2018-11-19. Review status: no assertion criteria provided. Collection method: clinical testing. Allele origin: germline. Not counted in ClinVar's aggregate classification.

Clinical Genetics DNA and cytogenetics Diagnostics Lab, Erasmus MC, Erasmus Medical Center
Classification: Likely benign. Review status: no assertion criteria provided. Collection method: clinical testing. Allele origin: germline. Affected: yes. Study: VKGL Data-share Consensus. Not counted in ClinVar's aggregate classification.